The following is an entry in ClinVar:

NM_004168.4(SDHA):c.1390G>A (p.Gly464Ser)

Gene: SDHA (succinate dehydrogenase complex flavoprotein subunit A; plus strand). Cytogenetic location: 5p15.33.
Variant type: single nucleotide variant.
Coding change: c.1390G>A on transcript NM_004168.4 (MANE Select); coding-DNA position 1390, G replaced by A.
Protein change: p.Gly464Ser; replaces glycine 464 with serine.
Molecular consequence: missense variant.
Genome position (GRCh38, 1-based): chr5:236,557, G>A. VCF-style: chr5-236557-G-A. GRCh37 (hg19) VCF-style: chr5-236672-G-A.
Other names: c.1246G>A, p.Gly416Ser (NM_001294332.2); c.1390G>A, p.Gly464Ser (NM_001330758.2); short protein forms G416S, G464S.
Identifiers: ClinVar variation 1469410 (VCV001469410.6), dbSNP rs2126590387, ClinGen allele CA359014058.

ClinVar aggregate classification (germline): Uncertain significance (1 of 4 stars; one submission).

Conditions:
Mitochondrial complex II deficiency, nuclear type 1. Also called: SUCCINATE CoQ REDUCTASE DEFICIENCY. Identifiers: Orphanet 3208, MedGen C5700310, MONDO:0100294, OMIM 252011.
Pheochromocytoma/paraganglioma syndrome 5. Also called: Paragangliomas 5; SDHA-Related Hereditary Paraganglioma-Pheochromocytoma Syndrome. Identifiers: Orphanet 29072, MedGen C3279992, MONDO:0013602, OMIM 614165.

Submission:

Labcorp Genetics (formerly Invitae), Labcorp
Classification: Uncertain significance for Pheochromocytoma/paraganglioma syndrome 5; Mitochondrial complex II deficiency, nuclear type 1. Last evaluated: 2021-09-04. Review status: criteria provided, single submitter. Criteria: Invitae Variant Classification Sherloc (09022015). Collection method: clinical testing. Allele origin: germline.
Comment: Algorithms developed to predict the effect of sequence changes on RNA splicing suggest that this variant may create or strengthen a splice site. This sequence change replaces glycine with serine at codon 464 of the SDHA protein (p.Gly464Ser). The glycine residue is highly conserved and there is a small physicochemical difference between glycine and serine. This variant is not present in population databases (ExAC no frequency). This variant has not been reported in the literature in individuals affected with SDHA-related conditions. Algorithms developed to predict the effect of missense changes on protein structure and function are either unavailable or do not agree on the potential impact of this missense change (SIFT: "Deleterious"; PolyPhen-2: "Probably Damaging"; Align-GVGD: "Class C0"). In summary, the available evidence is currently insufficient to determine the role of this variant in disease. Therefore, it has been classified as a Variant of Uncertain Significance.